The following is an entry in ClinVar:

NM_138694.4(PKHD1):c.5752-1G>C

Gene: PKHD1 (PKHD1 ciliary IPT domain containing fibrocystin/polyductin; minus strand). Cytogenetic location: 6p12.2.
Variant type: single nucleotide variant.
Coding change: c.5752-1G>C on transcript NM_138694.4 (MANE Select); the canonical splice acceptor site of the intron before coding-DNA position 5752, G replaced by C.
Molecular consequence: splice acceptor variant.
Genome position (GRCh38, 1-based): chr6:51,960,027, C>G on the plus strand (G>C on the coding strand, the complement: PKHD1 is on the minus strand). VCF-style: chr6-51960027-C-G. GRCh37 (hg19) VCF-style: chr6-51824825-C-G.
Other names: c.5752-1G>C (NM_170724.3).
Identifiers: ClinVar variation 2773132 (VCV002773132.3), dbSNP rs2537382687, ClinGen allele CA364421884.

ClinVar aggregate classification (germline): Likely pathogenic (1 of 4 stars; one submission).

Conditions:
Autosomal recessive polycystic kidney disease (ARPKD). Also called: AR polycystic kidney disease. Identifiers: Orphanet 731, Orphanet 8378, MedGen C0085548, MeSH D017044, MONDO:0009889.

gnomAD v4.1: 1 of 1,613,118 alleles (0.000062%); highest among the groups gnomAD compares: South Asian, 0.0011%; no homozygotes.

Submission:

Labcorp Genetics (formerly Invitae), Labcorp
Classification: Likely pathogenic for Autosomal recessive polycystic kidney disease. Last evaluated: 2023-11-01. Review status: criteria provided, single submitter. Criteria: Invitae Variant Classification Sherloc (09022015). Collection method: clinical testing. Allele origin: germline.
Comment: This sequence change affects an acceptor splice site in intron 35 of the PKHD1 gene. It is expected to disrupt RNA splicing. Variants that disrupt the donor or acceptor splice site typically lead to a loss of protein function (PMID: 16199547), and loss-of-function variants in PKHD1 are known to be pathogenic (PMID: 19940839). This variant is not present in population databases (gnomAD no frequency). This variant has not been reported in the literature in individuals affected with PKHD1-related conditions. Algorithms developed to predict the effect of sequence changes on RNA splicing suggest that this variant may disrupt the consensus splice site. In summary, the currently available evidence indicates that the variant is pathogenic, but additional data are needed to prove that conclusively. Therefore, this variant has been classified as Likely Pathogenic.

Literature cited by the submitters: PubMed 16199547; PubMed 19940839.